The following is an entry in ClinVar:

ClinVar aggregate classification (germline): Uncertain significance (1 of 4 stars; one submission).

gnomAD v4.1: 1 of 1,614,200 alleles (0.000062%); highest among the groups gnomAD compares: Non-Finnish European, 0.000085%; no homozygotes.

Submission:

Labcorp Genetics (formerly Invitae), Labcorp
Classification: Uncertain significance. Last evaluated: 2023-04-20. Review status: criteria provided, single submitter. Criteria: Invitae Variant Classification Sherloc (09022015). Collection method: clinical testing. Allele origin: germline.
Comment: This sequence change replaces proline, which is neutral and non-polar, with alanine, which is neutral and non-polar, at codon 520 of the ATP2B4 protein (p.Pro520Ala). This variant is present in population databases (rs200211590, gnomAD 0.006%). This variant has not been reported in the literature in individuals affected with ATP2B4-related conditions. An algorithm developed to predict the effect of missense changes on protein structure and function (PolyPhen-2) suggests that this variant is likely to be disruptive. In summary, the available evidence is currently insufficient to determine the role of this variant in disease. Therefore, it has been classified as a Variant of Uncertain Significance.

NM_001684.5(ATP2B4):c.1558C>G (p.Pro520Ala)

Gene: ATP2B4 (ATPase plasma membrane Ca2+ transporting 4; plus strand). Cytogenetic location: 1q32.1.
Variant type: single nucleotide variant.
Coding change: c.1558C>G on transcript NM_001684.5 (MANE Select); coding-DNA position 1558, C replaced by G.
Protein change: p.Pro520Ala; replaces proline 520 with alanine.
Molecular consequence: missense variant.
Genome position (GRCh38, 1-based): chr1:203,709,301, C>G. VCF-style: chr1-203709301-C-G. GRCh37 (hg19) VCF-style: chr1-203678429-C-G.
Other names: c.1558C>G, p.Pro520Ala (NM_001001396.3, NM_001365783.2, NM_001365784.2); short protein forms P520A.
Identifiers: ClinVar variation 2973914 (VCV002973914.3), dbSNP rs200211590, ClinGen allele CA1341646.